The following is an entry in ClinVar:

ClinVar aggregate classification (germline): Uncertain significance. Review status: criteria provided, multiple submitters, no conflicts (2 of 4 stars). 3 submissions from 3 submitters: Uncertain significance (3). Last evaluated 2022-08-04.

Conditions:
Inborn genetic diseases. Identifiers: MedGen C0950123, MeSH D030342.
Kufor-Rakeb syndrome (KRS). Also called: PARKINSON DISEASE 9, AUTOSOMAL RECESSIVE, JUVENILE-ONSET. Identifiers: Orphanet 306674, Orphanet 314632, MedGen C1847640, MONDO:0011706, OMIM 606693.
Autosomal recessive spastic paraplegia type 78. Identifiers: Orphanet 513436, MedGen C5567893, MONDO:0014975, OMIM 617225.

Allele frequency attached by ClinVar (database versions not stated): gnomAD exomes 0.00002 and 0.00003; ExAC 0.00003; gnomAD 0.00003; TOPMed 0.00005; ESP Exome Variant Server 0.00008.
gnomAD v4.1: 28 of 1,613,260 alleles (0.0017%); highest among the groups gnomAD compares: Middle Eastern, 0.033%; no homozygotes.

Submissions (3):

Labcorp Genetics (formerly Invitae), Labcorp
Classification: Uncertain significance for Kufor-Rakeb syndrome; Autosomal recessive spastic paraplegia type 78. Last evaluated: 2022-08-04. Review status: criteria provided, single submitter. Criteria: Invitae Variant Classification Sherloc (09022015). Collection method: clinical testing. Allele origin: germline.
Comment: This sequence change replaces tyrosine, which is neutral and polar, with cysteine, which is neutral and slightly polar, at codon 1020 of the ATP13A2 protein (p.Tyr1020Cys). This variant is present in population databases (rs372182128, gnomAD 0.006%). This variant has not been reported in the literature in individuals affected with ATP13A2-related conditions. ClinVar contains an entry for this variant (Variation ID: 585470). Advanced modeling of protein sequence and biophysical properties (such as structural, functional, and spatial information, amino acid conservation, physicochemical variation, residue mobility, and thermodynamic stability) performed at Invitae indicates that this missense variant is not expected to disrupt ATP13A2 protein function. In summary, the available evidence is currently insufficient to determine the role of this variant in disease. Therefore, it has been classified as a Variant of Uncertain Significance.

Ambry Genetics
Classification: Uncertain significance for Inborn genetic diseases. Last evaluated: 2018-02-14. Review status: criteria provided, single submitter. Criteria: Ambry Variant Classification Scheme 2023. Collection method: clinical testing. Allele origin: germline.
Comment: The p.Y1020C variant (also known as c.3059A>G), located in coding exon 26 of the ATP13A2 gene, results from an A to G substitution at nucleotide position 3059. The tyrosine at codon 1020 is replaced by cysteine, an amino acid with highly dissimilar properties. This amino acid position is well conserved in available vertebrate species. In addition, the in silico prediction for this alteration is inconclusive. Since supporting evidence is limited at this time, the clinical significance of this alteration remains unclear.

Athena Diagnostics
Classification: Uncertain significance. Last evaluated: 2017-10-05. Review status: criteria provided, single submitter. Criteria: Athena Diagnostics Criteria. Collection method: clinical testing. Allele origin: germline.

NM_022089.4(ATP13A2):c.3059A>G (p.Tyr1020Cys)

Gene: ATP13A2 (ATPase cation transporting 13A2; minus strand). Cytogenetic location: 1p36.13.
Variant type: single nucleotide variant.
Coding change: c.3059A>G on transcript NM_022089.4 (MANE Select); coding-DNA position 3059, A replaced by G.
Protein change: p.Tyr1020Cys; replaces tyrosine 1020 with cysteine.
Molecular consequence: missense variant.
Genome position (GRCh38, 1-based): chr1:16,987,070, T>C on the plus strand (A>G on the coding strand, the complement: ATP13A2 is on the minus strand). VCF-style: chr1-16987070-T-C. GRCh37 (hg19) VCF-style: chr1-17313565-T-C.
Other names: c.3044A>G, p.Tyr1015Cys (NM_001141973.3); c.2927A>G, p.Tyr976Cys (NM_001141974.3); short protein forms Y1020C, Y1015C, Y976C.
Identifiers: ClinVar variation 585470 (VCV000585470.7), dbSNP rs372182128, ClinGen allele CA636631.